The following is an entry in ClinVar:

NM_014915.3(ANKRD26):c.1807T>C (p.Tyr603His)

Gene: ANKRD26 (ankyrin repeat domain containing 26; minus strand). Cytogenetic location: 10p12.1.
Variant type: single nucleotide variant.
Coding change: c.1807T>C on transcript NM_014915.3 (MANE Select); coding-DNA position 1807, T replaced by C.
Protein change: p.Tyr603His; replaces tyrosine 603 with histidine.
Molecular consequence: missense variant.
Genome position (GRCh38, 1-based): chr10:27,048,808, A>G on the plus strand (T>C on the coding strand, the complement: ANKRD26 is on the minus strand). VCF-style: chr10-27048808-A-G. GRCh37 (hg19) VCF-style: chr10-27337737-A-G.
Other names: c.1807T>C, p.Tyr603His (NM_001256053.2); short protein forms Y603H.
Identifiers: ClinVar variation 4103723 (VCV004103723.1).

ClinVar aggregate classification (germline): Uncertain significance (1 of 4 stars; one submission).

Conditions:
Inborn genetic diseases. Identifiers: MedGen C0950123, MeSH D030342.

gnomAD v4.1: 1 of 1,612,848 alleles (0.000062%); highest among the groups gnomAD compares: African/African-American, 0.0013%; no homozygotes.

Submission:

Ambry Genetics
Classification: Uncertain significance for Inborn genetic diseases. Last evaluated: 2025-07-24. Review status: criteria provided, single submitter. Criteria: Ambry Variant Classification Scheme 2023. Collection method: clinical testing. Allele origin: germline.
Comment: The p.Y603H variant (also known as c.1807T>C), located in coding exon 17 of the ANKRD26 gene, results from a T to C substitution at nucleotide position 1807. The tyrosine at codon 603 is replaced by histidine, an amino acid with similar properties. This amino acid position is conserved. In addition, this alteration is predicted to be tolerated by in silico analysis. Based on the available evidence, the clinical significance of this variant remains unclear.